The following is an entry in ClinVar:

NM_002474.3(MYH11):c.2702A>G (p.Glu901Gly)

Gene: MYH11 (myosin heavy chain 11; minus strand). Cytogenetic location: 16p13.11.
Variant type: single nucleotide variant.
Coding change: c.2702A>G on transcript NM_002474.3 (MANE Select); coding-DNA position 2702, A replaced by G.
Protein change: p.Glu901Gly; replaces glutamic acid 901 with glycine.
Molecular consequence: missense variant.
Genome position (GRCh38, 1-based): chr16:15,741,620, T>C on the plus strand (A>G on the coding strand, the complement: MYH11 is on the minus strand). VCF-style: chr16-15741620-T-C. GRCh37 (hg19) VCF-style: chr16-15835477-T-C.
Other names: c.2723A>G, p.Glu908Gly (NM_001040113.2, NM_001040114.2); c.2702A>G, p.Glu901Gly (NM_022844.3); short protein forms E901G, E908G.
Identifiers: ClinVar variation 1331988 (VCV001331988.3), dbSNP rs1481169784, ClinGen allele CA394865635.

ClinVar aggregate classification (germline): Uncertain significance (1 of 4 stars; one submission).

Conditions:
Familial thoracic aortic aneurysm and aortic dissection (TAAD). Also called: Thoracic aortic aneurysms and dissections. Identifiers: Orphanet 91387, MedGen C4707243, MONDO:0019625.

Allele frequency attached by ClinVar (database versions not stated): gnomAD exomes below 0.00001.
gnomAD v4.1: 1 of 1,613,274 alleles (0.000062%); highest among the groups gnomAD compares: South Asian, 0.0011%; no homozygotes.

Submission:

Color Diagnostics, LLC DBA Color Health
Classification: Uncertain significance for Familial thoracic aortic aneurysm and aortic dissection. Last evaluated: 2024-03-07. Review status: criteria provided, single submitter. Criteria: ACMG Guidelines, 2015. Collection method: clinical testing. Allele origin: germline.
Comment: This missense variant replaces glutamic acid with glycine at codon 908 of the MYH11 protein. Computational prediction suggests that this variant may have deleterious impact on protein structure and function (internally defined REVEL score threshold >= 0.7, PMID: 27666373). To our knowledge, functional studies have not been reported for this variant. This variant has not been reported in individuals affected with cardiovascular disorders in the literature. This variant has been identified in 1/250894 chromosomes in the general population by the Genome Aggregation Database (gnomAD). The available evidence is insufficient to determine the role of this variant in disease conclusively. Therefore, this variant is classified as a Variant of Uncertain Significance.